The following is an entry in ClinVar:

NM_001166114.2(PNPLA6):c.4006A>C (p.Ser1336Arg)

Gene: PNPLA6 (patatin like domain 6, lysophospholipase; plus strand). Cytogenetic location: 19p13.2.
Variant type: single nucleotide variant.
Coding change: c.4006A>C on transcript NM_001166114.2 (MANE Select); coding-DNA position 4006, A replaced by C.
Protein change: p.Ser1336Arg; replaces serine 1336 with arginine.
Molecular consequence: missense variant.
Genome position (GRCh38, 1-based): chr19:7,561,300, A>C. VCF-style: chr19-7561300-A-C. GRCh37 (hg19) VCF-style: chr19-7626186-A-C.
Other names: c.4036A>C, p.Ser1346Arg (NM_001166111.2); c.3811A>C, p.Ser1271Arg (NM_001166112.2); c.3892A>C, p.Ser1298Arg (NM_001166113.1, NM_006702.5); short protein forms S1346R, S1298R, S1336R, S1271R.
Identifiers: ClinVar variation 2115004 (VCV002115004.4), dbSNP rs2512581243, ClinGen allele CA403139663.

ClinVar aggregate classification (germline): Uncertain significance (1 of 4 stars; one submission).

Conditions:
Hereditary spastic paraplegia 39 (SPG39). Also called: SPASTIC PARAPLEGIA 39, AUTOSOMAL RECESSIVE; Spastic Paraplegia Type 39 (SPG39). Identifiers: Orphanet 139480, MedGen C2677586, MONDO:0012787, OMIM 612020.

Submission:

Labcorp Genetics (formerly Invitae), Labcorp
Classification: Uncertain significance for Hereditary spastic paraplegia 39. Last evaluated: 2022-03-20. Review status: criteria provided, single submitter. Criteria: Invitae Variant Classification Sherloc (09022015). Collection method: clinical testing. Allele origin: germline.
Comment: In summary, the available evidence is currently insufficient to determine the role of this variant in disease. Therefore, it has been classified as a Variant of Uncertain Significance. Algorithms developed to predict the effect of missense changes on protein structure and function (SIFT, PolyPhen-2, Align-GVGD) all suggest that this variant is likely to be tolerated. This variant has not been reported in the literature in individuals affected with PNPLA6-related conditions. This variant is not present in population databases (gnomAD no frequency). This sequence change replaces serine, which is neutral and polar, with arginine, which is basic and polar, at codon 1298 of the PNPLA6 protein (p.Ser1298Arg).